The following is an entry in ClinVar:

ClinVar aggregate classification (germline): Uncertain significance (1 of 4 stars; one submission).

Allele frequency attached by ClinVar (database versions not stated): gnomAD exomes below 0.00001; TOPMed below 0.00001.
gnomAD v4.1: 5 of 1,611,288 alleles (0.00031%); highest among the groups gnomAD compares: Admixed American, 0.0017%; no homozygotes.

Submission:

Labcorp Genetics (formerly Invitae), Labcorp
Classification: Uncertain significance. Last evaluated: 2022-05-03. Review status: criteria provided, single submitter. Criteria: Invitae Variant Classification Sherloc (09022015). Collection method: clinical testing. Allele origin: germline.
Comment: This sequence change falls in intron 31 of the SBF1 gene. It does not directly change the encoded amino acid sequence of the SBF1 protein. It affects a nucleotide within the consensus splice site. This variant is present in population databases (no rsID available, gnomAD 0.0009%). This variant has not been reported in the literature in individuals affected with SBF1-related conditions. Variants that disrupt the consensus splice site are a relatively common cause of aberrant splicing (PMID: 17576681, 9536098). Algorithms developed to predict the effect of sequence changes on RNA splicing suggest that this variant is not likely to affect RNA splicing. In summary, the available evidence is currently insufficient to determine the role of this variant in disease. Therefore, it has been classified as a Variant of Uncertain Significance.

Literature cited by the submitters: PubMed 17576681; PubMed 9536098.

NM_002972.4(SBF1):c.4266+3C>T

Gene: SBF1 (SET binding factor 1; minus strand). Cytogenetic location: 22q13.33.
Variant type: single nucleotide variant.
Coding change: c.4266+3C>T on transcript NM_002972.4 (MANE Select); 3 bases into the intron after coding-DNA position 4266, C replaced by T.
Molecular consequence: intron variant.
Genome position (GRCh38, 1-based): chr22:50,456,213, G>A on the plus strand (C>T on the coding strand, the complement: SBF1 is on the minus strand). VCF-style: chr22-50456213-G-A. GRCh37 (hg19) VCF-style: chr22-50894642-G-A.
Other names: c.4191+3C>T (NM_001365819.1).
Identifiers: ClinVar variation 2414348 (VCV002414348.6), dbSNP rs1015318115, ClinGen allele CA325528731.
Genomic context (GRCh38, chr22:50,456,213, plus strand): 5'-TGGCTCTACCCAAGGGGAGGGCCCAGCACCAAGGCGGGCAGAGGGACGGGGCAGTGCAGA[G>A]ACCTGGATCAGCCACTCTGAGTCCTCCAGTGAGCGCAGGAAGGAGGCTGGGCTGGGCTCA-3'